The following is an entry in ClinVar:

ClinVar aggregate classification (germline): Conflicting classifications of pathogenicity. Review status: criteria provided, conflicting classifications (1 of 4 stars). 3 submissions from 3 submitters: Uncertain significance (1); Likely benign (2). Last evaluated 2025-08-14.

Conditions:
Inborn genetic diseases. Identifiers: MedGen C0950123, MeSH D030342.
Cornelia de Lange syndrome 1 (CDLS1). Also called: Brachmann de Lange syndrome; TYPUS DEGENERATIVUS AMSTELODAMENSIS; NIPBL-Related Cornelia de Lange Syndrome. Identifiers: Orphanet 199, MedGen C4551851, MONDO:0007387, OMIM 122470.

Allele frequency attached by ClinVar (database versions not stated): gnomAD exomes below 0.00001 and 0.00001; ExAC 0.00001; TOPMed 0.00001; gnomAD 0.00002.
gnomAD v4.1: 6 of 1,507,724 alleles (0.0004%); highest among the groups gnomAD compares: Non-Finnish European, 0.00053%; no homozygotes.

Submissions (3):

Ambry Genetics
Classification: Likely benign for Inborn genetic diseases. Last evaluated: 2025-08-14. Review status: criteria provided, single submitter. Criteria: Ambry Variant Classification Scheme 2023. Collection method: clinical testing. Allele origin: germline.

Labcorp Genetics (formerly Invitae), Labcorp
Classification: Uncertain significance for Cornelia de Lange syndrome 1. Last evaluated: 2023-10-10. Review status: criteria provided, single submitter. Criteria: Invitae Variant Classification Sherloc (09022015). Collection method: clinical testing. Allele origin: germline.
Comment: This sequence change replaces serine, which is neutral and polar, with threonine, which is neutral and polar, at codon 1038 of the NIPBL protein (p.Ser1038Thr). This variant is present in population databases (rs747918239, gnomAD 0.002%). This variant has not been reported in the literature in individuals affected with NIPBL-related conditions. ClinVar contains an entry for this variant (Variation ID: 1193822). Advanced modeling of protein sequence and biophysical properties (such as structural, functional, and spatial information, amino acid conservation, physicochemical variation, residue mobility, and thermodynamic stability) performed at Invitae indicates that this missense variant is not expected to disrupt NIPBL protein function. In summary, the available evidence is currently insufficient to determine the role of this variant in disease. Therefore, it has been classified as a Variant of Uncertain Significance.

GeneDx
Classification: Likely benign. Last evaluated: 2018-09-04. Review status: criteria provided, single submitter. Criteria: GeneDx Variant Classification Process June 2021. Collection method: clinical testing. Allele origin: germline. Affected: yes.

NM_133433.4(NIPBL):c.3112T>A (p.Ser1038Thr)

Gene: NIPBL (NIPBL cohesin loading factor; plus strand). Cytogenetic location: 5p13.2.
Variant type: single nucleotide variant.
Coding change: c.3112T>A on transcript NM_133433.4 (MANE Select); coding-DNA position 3112, T replaced by A.
Protein change: p.Ser1038Thr; replaces serine 1038 with threonine.
Molecular consequence: missense variant.
Genome position (GRCh38, 1-based): chr5:36,986,292, T>A. VCF-style: chr5-36986292-T-A. GRCh37 (hg19) VCF-style: chr5-36986394-T-A.
Other names: c.3112T>A, p.Ser1038Thr (NM_015384.5); short protein forms S1038T.
Identifiers: ClinVar variation 1193822 (VCV001193822.6), dbSNP rs747918239, ClinGen allele CA3236266.
Genomic context (GRCh38, chr5:36,986,292, plus strand): 5'-AAAGATAGAGAGGACAAATCAAGAAGTTCCCTTAAACCTATCAAGAATAAACCATCAAAG[T>A]CAAATAAAGGTAAGAATACTTCTACTGATGTCATTTATAATATAATCGATTTTAAGTGTT-3'
Protein context (NP_597677.2, residues 1028-1048): LKPIKNKPSK[Ser1038Thr]NKGSIDQSVL